The following is an entry in ClinVar:

NM_024409.4(NPPC):c.247G>A (p.Ala83Thr)

Gene: NPPC (natriuretic peptide C; minus strand). Cytogenetic location: 2q37.1.
Variant type: single nucleotide variant.
Coding change: c.247G>A on transcript NM_024409.4 (MANE Select); coding-DNA position 247, G replaced by A.
Protein change: p.Ala83Thr; replaces alanine 83 with threonine.
Molecular consequence: missense variant.
Genome position (GRCh38, 1-based): chr2:231,925,559, C>T on the plus strand (G>A on the coding strand, the complement: NPPC is on the minus strand). VCF-style: chr2-231925559-C-T. GRCh37 (hg19) VCF-style: chr2-232790269-C-T.
Other names: short protein forms A83T.
Identifiers: ClinVar variation 2901607 (VCV002901607.3), dbSNP rs80265630, ClinGen allele CA2163620.
Genomic context (GRCh38, chr2:231,925,559, plus strand): 5'-TGTTGGCTCCTTTGTATTTGCGCGCGTTGGGGTGCTCTTGCAGAAGGCGAGCCCACGCTG[C>T]CCGCGACTTGGTGTCCACGCGCAGGTCCCGGAGCAGTCGCGACCGGTCGCCCTTGAGATT-3'
Protein context (NP_077720.1, residues 73-93): RDLRVDTKSR[Ala83Thr]AWARLLQEHP

ClinVar aggregate classification (germline): Uncertain significance (1 of 4 stars; one submission).

Allele frequency attached by ClinVar (database versions not stated): TOPMed below 0.00001; gnomAD 0.00001; gnomAD exomes 0.00004; ExAC 0.00009; 1000 Genomes Project 30x 0.00016; 1000 Genomes Project 0.00020.
gnomAD v4.1: 64 of 1,612,532 alleles (0.004%); highest among the groups gnomAD compares: South Asian, 0.067%; no homozygotes.

Submission:

Labcorp Genetics (formerly Invitae), Labcorp
Classification: Uncertain significance. Last evaluated: 2023-06-16. Review status: criteria provided, single submitter. Criteria: Invitae Variant Classification Sherloc (09022015). Collection method: clinical testing. Allele origin: germline.
Comment: In summary, the available evidence is currently insufficient to determine the role of this variant in disease. Therefore, it has been classified as a Variant of Uncertain Significance. An algorithm developed to predict the effect of missense changes on protein structure and function (PolyPhen-2) suggests that this variant is likely to be tolerated. This variant has not been reported in the literature in individuals affected with NPPC-related conditions. This variant is present in population databases (rs80265630, gnomAD 0.07%), and has an allele count higher than expected for a pathogenic variant. This sequence change replaces alanine, which is neutral and non-polar, with threonine, which is neutral and polar, at codon 83 of the NPPC protein (p.Ala83Thr).